The following is an entry in ClinVar:

ClinVar aggregate classification (germline): Likely pathogenic (1 of 4 stars; one submission).

Conditions:
O'Donnell-Luria-Rodan syndrome (ODLURO). Also called: KMT2E-Related Neurodevelopmental Disorder. Identifiers: MedGen C5193138, MONDO:0032793, OMIM 618512.

Submission:

Genetics Laboratory, UDIAT-Centre Diagnòstic, Hospital Universitari Parc Tauli
Classification: Likely pathogenic for O'Donnell-Luria-Rodan syndrome. Last evaluated: 2024-05-14. Review status: criteria provided, single submitter. Criteria: ACMG Guidelines, 2015. Collection method: clinical testing. Allele origin: unknown. Inheritance: Autosomal dominant inheritance. Affected: yes.
Comment: PVS1_very strong;PM2_supporting

NM_182931.3(KMT2E):c.221del (p.Pro74fs)

Gene: KMT2E (lysine methyltransferase 2E (inactive); plus strand). Cytogenetic location: 7q22.3.
Variant type: Deletion.
Coding change: c.221del on transcript NM_182931.3 (MANE Select); coding-DNA position 221, one base deleted (C; older notation c.221delC).
Protein change: p.Pro74fs; shifts the reading frame from proline 74.
Molecular consequence: frameshift variant.
Genome position (GRCh38, 1-based): chr7:105,063,385, C deleted; the last of 2 consecutive C bases (chr7:105,063,384-105,063,385); deleting either gives the same sequence. VCF-style (leftmost placement, unchanged base first): chr7-105063383-AC-A. GRCh37 (hg19) VCF-style: chr7-104703830-AC-A.
Other names: c.221del, p.Pro74fs (NM_001410908.1, NM_018682.4); short protein forms P74fs.
Identifiers: ClinVar variation 3897573 (VCV003897573.1).
Genomic context (GRCh38, chr7:105,063,383, plus strand): 5'-TGTGCTATATTTGTGTTTAATTATTCAGGACCATAATTATGGTGCTCGTCCTCCTCCGAC[AC>A]CTCCGGCTTCCCCTCCTCCATCAGTCCTTATTAGCAAAAATGAAGTAGGCATATTTACCA-3'